The following is an entry in ClinVar:

ClinVar aggregate classification (germline): Benign. Review status: criteria provided, multiple submitters, no conflicts (2 of 4 stars). 5 submissions from 5 submitters: Benign (4). 1 of the submissions does not count toward it. Last evaluated 2026-02-04.

Allele frequency attached by ClinVar (database versions not stated): 1000 Genomes Project 30x 0.09916; 1000 Genomes Project 0.09924; gnomAD exomes 0.14586 and 0.16883; ExAC 0.15127; TOPMed 0.15281; gnomAD 0.15741 and 0.16347; ESP Exome Variant Server 0.17146.
gnomAD v4.1: 269,422 of 1,607,802 alleles (17%); highest among the groups gnomAD compares: Middle Eastern, 19%; 24,342 homozygotes.

Submissions (5):

Labcorp Genetics (formerly Invitae), Labcorp
Classification: Benign. Last evaluated: 2026-02-04. Review status: criteria provided, single submitter. Criteria: Invitae Variant Classification Sherloc (09022015). Collection method: clinical testing. Allele origin: germline.

Blueprint Genetics
Classification: Benign. Last evaluated: 2024-11-28. Review status: criteria provided, single submitter. Criteria: ACMG Guidelines, 2015. Collection method: clinical testing. Allele origin: germline.

GeneDx
Classification: Benign. Last evaluated: 2015-12-10. Review status: criteria provided, single submitter. Criteria: GeneDx Variant Classification (06012015). Collection method: clinical testing. Allele origin: germline. Affected: yes.
Comment: This variant is considered likely benign or benign based on one or more of the following criteria: it is a conservative change, it occurs at a poorly conserved position in the protein, it is predicted to be benign by multiple in silico algorithms, and/or has population frequency not consistent with disease.

Breakthrough Genomics
Classification: Benign. Review status: criteria provided, single submitter. Criteria: ACMG Guidelines, 2015. Collection method: not provided. Allele origin: germline. Inheritance: Autosomal recessive inheritance. Affected: yes.

Mayo Clinic Laboratories, Mayo Clinic
Classification: Benign. Last evaluated: 2016-02-23. Review status: no assertion criteria provided. Collection method: clinical testing. Allele origin: unknown. Not counted in ClinVar's aggregate classification.

NM_024876.4(COQ8B):c.9G>A (p.Leu3=)

Gene: COQ8B (coenzyme Q8B; minus strand). Cytogenetic location: 19q13.2.
Variant type: single nucleotide variant.
Coding change: c.9G>A on transcript NM_024876.4 (MANE Select); coding-DNA position 9, G replaced by A.
Protein change: p.Leu3=; no amino-acid change (leucine 3 retained).
Molecular consequence: synonymous variant.
Genome position (GRCh38, 1-based): chr19:40,714,624, C>T on the plus strand (G>A on the coding strand, the complement: COQ8B is on the minus strand). VCF-style: chr19-40714624-C-T. GRCh37 (hg19) VCF-style: chr19-41220529-C-T.
Other names: c.9G>A, p.Leu3= (NM_001142555.3).
Identifiers: ClinVar variation 380045 (VCV000380045.14), dbSNP rs11673492, ClinGen allele CA9450571.